The following is an entry in ClinVar:

ClinVar aggregate classification (germline): Uncertain significance (1 of 4 stars; one submission).

Conditions:
Inborn genetic diseases. Identifiers: MedGen C0950123, MeSH D030342.

Submission:

Ambry Genetics
Classification: Uncertain significance for Inborn genetic diseases. Last evaluated: 2023-09-05. Review status: criteria provided, single submitter. Criteria: Ambry Variant Classification Scheme 2023. Collection method: clinical testing. Allele origin: germline.
Comment: The c.4737T>G (p.Y1579*) alteration, located in exon 38 (coding exon 36) of the CC2D2A gene, consists of a T to G substitution at nucleotide position 4737. This changes the amino acid from a tyrosine (Y) to a stop codon at amino acid position 1579. This alteration occurs at the 3' terminus of the CC2D2A gene, is not expected to trigger nonsense-mediated mRNA decay, and impacts the last 2.6% of the protein. The exact functional effect of this alteration is unknown. This variant was not reported in population-based cohorts in the Genome Aggregation Database (gnomAD). Based on insufficient or conflicting evidence, the clinical significance of this alteration remains unclear.

NM_001378615.1(CC2D2A):c.4737T>G (p.Tyr1579Ter)

Genes: CC2D2A (coiled-coil and C2 domain containing 2A; plus strand), FBXL5 (F-box and leucine rich repeat protein 5; minus strand). Cytogenetic location: 4p15.32.
Variant type: single nucleotide variant.
Coding change: c.4737T>G on transcript NM_001378615.1 (MANE Select); coding-DNA position 4737, T replaced by G.
Protein change: p.Tyr1579Ter; replaces tyrosine 1579 with a stop codon.
Molecular consequence: nonsense.
Genome position (GRCh38, 1-based): chr4:15,601,299, T>G. VCF-style: chr4-15601299-T-G. GRCh37 (hg19) VCF-style: chr4-15602922-T-G.
Other names: c.4737T>G, p.Tyr1579Ter (NM_001080522.2); c.4590T>G, p.Tyr1530Ter (NM_001378617.1); short protein forms Y1530*, Y1579*.
Identifiers: ClinVar variation 2620913 (VCV002620913.2), dbSNP rs2475163140, ClinGen allele CA356436264.